The following is an entry in ClinVar:

NM_004380.3(CREBBP):c.242G>T (p.Ser81Ile)

Gene: CREBBP (CREB binding lysine acetyltransferase; minus strand). Cytogenetic location: 16p13.3.
Variant type: single nucleotide variant.
Coding change: c.242G>T on transcript NM_004380.3 (MANE Select); coding-DNA position 242, G replaced by T.
Protein change: p.Ser81Ile; replaces serine 81 with isoleucine.
Molecular consequence: missense variant.
Genome position (GRCh38, 1-based): chr16:3,850,853, C>A on the plus strand (G>T on the coding strand, the complement: CREBBP is on the minus strand). VCF-style: chr16-3850853-C-A. GRCh37 (hg19) VCF-style: chr16-3900854-C-A.
Other names: c.242G>T, p.Ser81Ile (NM_001079846.1); short protein forms S81I.
Identifiers: ClinVar variation 2504514 (VCV002504514.3), dbSNP rs372793936, ClinGen allele CA394561934.

ClinVar aggregate classification (germline): Uncertain significance. Review status: criteria provided, multiple submitters, no conflicts (2 of 4 stars). 2 submissions from 2 submitters: Uncertain significance (2). Last evaluated 2024-09-05.

Conditions:
Rubinstein-Taybi syndrome (RSTS). Identifiers: Orphanet 783, MedGen C0035934, MONDO:0019188.

gnomAD v4.1: 1 of 1,614,188 alleles (0.000062%); highest among the groups gnomAD compares: Admixed American, 0.0017%; no homozygotes.

Submissions (2):

Labcorp Genetics (formerly Invitae), Labcorp
Classification: Uncertain significance for Rubinstein-Taybi syndrome. Last evaluated: 2024-09-05. Review status: criteria provided, single submitter. Criteria: Invitae Variant Classification Sherloc (09022015). Collection method: clinical testing. Allele origin: germline.
Comment: This sequence change replaces serine, which is neutral and polar, with isoleucine, which is neutral and non-polar, at codon 81 of the CREBBP protein (p.Ser81Ile). This variant is not present in population databases (gnomAD no frequency). This variant has not been reported in the literature in individuals affected with CREBBP-related conditions. ClinVar contains an entry for this variant (Variation ID: 2504514). Invitae Evidence Modeling of protein sequence and biophysical properties (such as structural, functional, and spatial information, amino acid conservation, physicochemical variation, residue mobility, and thermodynamic stability) has been performed for this missense variant. However, the output from this modeling did not meet the statistical confidence thresholds required to predict the impact of this variant on CREBBP protein function. In summary, the available evidence is currently insufficient to determine the role of this variant in disease. Therefore, it has been classified as a Variant of Uncertain Significance.

GeneDx
Classification: Uncertain significance. Last evaluated: 2022-11-30. Review status: criteria provided, single submitter. Criteria: GeneDx Variant Classification Process June 2021. Collection method: clinical testing. Allele origin: germline. Affected: yes.
Comment: Not observed at significant frequency in large population cohorts (gnomAD); In silico analysis supports that this missense variant does not alter protein structure/function; Has not been previously published as pathogenic or benign to our knowledge; This variant is associated with the following publications: (PMID: 8616895)